The following is an entry in ClinVar:

ClinVar aggregate classification (germline): Conflicting classifications of pathogenicity. Review status: criteria provided, conflicting classifications (1 of 4 stars). 3 submissions from 3 submitters: Likely pathogenic (2); Uncertain significance (1). Last evaluated 2025-12-28.

Conditions:
Thyroid dyshormonogenesis 6 (TDH6). Also called: HYPOTHYROIDISM, CONGENITAL, DUE TO DYSHORMONOGENESIS, 6; Genetic transient congenital hypothyroidism; THYROID HORMONOGENESIS, GENETIC DEFECT IN, 6. Identifiers: Orphanet 226316, Orphanet 95716, MedGen C1846632, MONDO:0011792, OMIM 607200.

Submissions (3):

First Genomix Gene Laboratory, Genetic Diagnostics Department
Classification: Likely pathogenic for Thyroid dyshormonogenesis 6. Last evaluated: 2025-12-28. Review status: criteria provided, single submitter. Criteria: ACMG Guidelines, 2015. Collection method: clinical testing. Allele origin: germline. Inheritance: Autosomal recessive inheritance. Affected: no. Observed: 1 variant allele.

GeneDx
Classification: Likely pathogenic. Last evaluated: 2024-05-13. Review status: criteria provided, single submitter. Criteria: GeneDx Variant Classification Process June 2021. Collection method: clinical testing. Allele origin: germline. Affected: yes.
Comment: Observed with DUOX2 variant(s) on the opposite allele (in trans) in patients with congenital hypothyroidism in published literature (PMID: 29650690, 32469330); Observed as a single heterozygous variant in patients with congenital hypothyroidism in published literature, although additional clinical information and familial segregation data were not provided (PMID: 32425884, 33631011); Published functional studies demonstrate a damaging effect with reduction in enzyme activity (PMID: 34564849); In silico analysis supports that this missense variant has a deleterious effect on protein structure/function; This variant is associated with the following publications: (PMID: 31356790, 29650690, 34564849, 32469330, 32425884, 33631011)

Juno Genomics, Hangzhou Juno Genomics, Inc
Classification: Uncertain significance for Thyroid dyshormonogenesis 6. Review status: criteria provided, single submitter. Criteria: ACMG Guidelines, 2015. Collection method: clinical testing. Allele origin: germline.
Comment: Absent from controls (or at extremely low frequency if recessive) in Genome Aggregation Database.;For recessive disorders, detected in trans with a pathogenic variant.;Well-established in vitro or in vivo functional studies supportive of a damaging effect on the gene or gene product.

NM_001363711.2(DUOX2):c.364C>A (p.Pro122Thr)

Gene: DUOX2 (dual oxidase 2; minus strand). Cytogenetic location: 15q21.1.
Variant type: single nucleotide variant.
Coding change: c.364C>A on transcript NM_001363711.2 (MANE Select); coding-DNA position 364, C replaced by A.
Protein change: p.Pro122Thr; replaces proline 122 with threonine.
Molecular consequence: missense variant.
Genome position (GRCh38, 1-based): chr15:45,111,917, G>T on the plus strand (C>A on the coding strand, the complement: DUOX2 is on the minus strand). VCF-style: chr15-45111917-G-T. GRCh37 (hg19) VCF-style: chr15-45404115-G-T.
Other names: c.364C>A, p.Pro122Thr (NM_014080.5); short protein forms P122T.
Identifiers: ClinVar variation 3378026 (VCV003378026.4).